The following is an entry in ClinVar:

NM_020779.4(WDR35):c.2980G>T (p.Ala994Ser)

Gene: WDR35 (WD repeat domain 35; minus strand). Cytogenetic location: 2p24.1.
Variant type: single nucleotide variant.
Coding change: c.2980G>T on transcript NM_020779.4 (MANE Select); coding-DNA position 2980, G replaced by T.
Protein change: p.Ala994Ser; replaces alanine 994 with serine.
Molecular consequence: missense variant.
Genome position (GRCh38, 1-based): chr2:19,930,537, C>A on the plus strand (G>T on the coding strand, the complement: WDR35 is on the minus strand). VCF-style: chr2-19930537-C-A. GRCh37 (hg19) VCF-style: chr2-20130298-C-A.
Other names: c.3013G>T, p.Ala1005Ser (NM_001006657.2); c.3013G>T (NM_001006657.1); short protein forms A1005S, A994S.
Identifiers: ClinVar variation 2925343 (VCV002925343.3), dbSNP rs1194134341, ClinGen allele CA345941743.
Genomic context (GRCh38, chr2:19,930,537, plus strand): 5'-TCCATGCATTATCTGTGAAACGATCTGTTGTAGACAGAACTTCTTCTTCCAGCAAACCAG[C>A]CAAGGCAGAAGTGGCCTACGAGTAAAGTCAGCCCACACTTTCCGTCAGCACAAACGCACA-3'
Protein context (NP_065830.2, residues 984-1004): GKSSEATSAL[Ala994Ser]GLLEEEVLST

ClinVar aggregate classification (germline): Uncertain significance. Review status: criteria provided, multiple submitters, no conflicts (2 of 4 stars). 2 submissions from 2 submitters: Uncertain significance (2). Last evaluated 2025-08-12.

Conditions:
Inborn genetic diseases. Identifiers: MedGen C0950123, MeSH D030342.
Cranioectodermal dysplasia 2 (CED2). Identifiers: Orphanet 1515, MedGen C3150874, MONDO:0013323, OMIM 613610.
Short-rib thoracic dysplasia 7 with or without polydactyly (SRTD7). Also called: SHORT-RIB THORACIC DYSPLASIA 7 WITH POLYDACTYLY; Short rib polydactyly syndrome 5. Identifiers: Orphanet 498497, Orphanet 93271, MedGen C3279792, MONDO:0013569, OMIM 614091.

Allele frequency attached by ClinVar (database versions not stated): gnomAD 0.00001; gnomAD exomes 0.00001; TOPMed 0.00002.
gnomAD v4.1: 11 of 1,613,958 alleles (0.00068%); highest among the groups gnomAD compares: Admixed American, 0.0017%; no homozygotes.

Submissions (2):

Ambry Genetics
Classification: Uncertain significance for Inborn genetic diseases. Last evaluated: 2025-08-12. Review status: criteria provided, single submitter. Criteria: Ambry Variant Classification Scheme 2023. Collection method: clinical testing. Allele origin: germline.

Labcorp Genetics (formerly Invitae), Labcorp
Classification: Uncertain significance for Cranioectodermal dysplasia 2; Short-rib thoracic dysplasia 7 with or without polydactyly. Last evaluated: 2025-08-04. Review status: criteria provided, single submitter. Criteria: Invitae Variant Classification Sherloc (09022015). Collection method: clinical testing. Allele origin: germline.
Comment: This sequence change replaces alanine, which is neutral and non-polar, with serine, which is neutral and polar, at codon 1005 of the WDR35 protein (p.Ala1005Ser). This variant is present in population databases (no rsID available, gnomAD 0.003%). This variant has not been reported in the literature in individuals affected with WDR35-related conditions. ClinVar contains an entry for this variant (Variation ID: 2925343). Invitae Evidence Modeling of protein sequence and biophysical properties (such as structural, functional, and spatial information, amino acid conservation, physicochemical variation, residue mobility, and thermodynamic stability) indicates that this missense variant is not expected to disrupt WDR35 protein function with a negative predictive value of 95%. In summary, the available evidence is currently insufficient to determine the role of this variant in disease. Therefore, it has been classified as a Variant of Uncertain Significance.